The following is an entry in ClinVar:

NM_006567.5(FARS2):c.203G>A (p.Arg68Gln)

Genes: FARS2 (phenylalanyl-tRNA synthetase 2, mitochondrial; plus strand), LOC126859565 (CDK7 strongly-dependent group 2 enhancer GRCh37_chr6:5368745-5369944; plus strand). Cytogenetic location: 6p25.1.
Variant type: single nucleotide variant.
Coding change: c.203G>A on transcript NM_006567.5 (MANE Select); coding-DNA position 203, G replaced by A.
Protein change: p.Arg68Gln; replaces arginine 68 with glutamine.
Molecular consequence: missense variant. On other transcripts: intron variant (2).
Genome position (GRCh38, 1-based): chr6:5,368,773, G>A. VCF-style: chr6-5368773-G-A. GRCh37 (hg19) VCF-style: chr6-5369006-G-A.
Other names: c.203G>A, p.Arg68Gln (NM_001318872.2, NM_001374875.1, NM_001374876.1 and 5 more transcripts); c.-340-27860G>A (NM_001375260.1); c.-84-35769G>A (NM_001375259.1); short protein forms R68Q.
Identifiers: ClinVar variation 1010475 (VCV001010475.9), dbSNP rs368352168, ClinGen allele CA3623606.

ClinVar aggregate classification (germline): Uncertain significance (1 of 4 stars; one submission).

Conditions:
Combined oxidative phosphorylation defect type 14. Also called: Combined oxidative phosphorylation deficiency 14. Identifiers: Orphanet 319519, MedGen C4755312, MONDO:0013986, OMIM 614946.

Allele frequency attached by ClinVar (database versions not stated): gnomAD 0.00001; gnomAD exomes 0.00001 and 0.00002; TOPMed 0.00001; ExAC 0.00002.
gnomAD v4.1: 12 of 1,614,158 alleles (0.00074%); highest among the groups gnomAD compares: Admixed American, 0.0067%; no homozygotes.

Submission:

Labcorp Genetics (formerly Invitae), Labcorp
Classification: Uncertain significance for Combined oxidative phosphorylation defect type 14. Last evaluated: 2025-02-17. Review status: criteria provided, single submitter. Criteria: Invitae Variant Classification Sherloc (09022015). Collection method: clinical testing. Allele origin: germline.
Comment: This sequence change replaces arginine, which is basic and polar, with glutamine, which is neutral and polar, at codon 68 of the FARS2 protein (p.Arg68Gln). This variant is present in population databases (rs368352168, gnomAD 0.009%). This variant has not been reported in the literature in individuals affected with FARS2-related conditions. ClinVar contains an entry for this variant (Variation ID: 1010475). Invitae Evidence Modeling of protein sequence and biophysical properties (such as structural, functional, and spatial information, amino acid conservation, physicochemical variation, residue mobility, and thermodynamic stability) indicates that this missense variant is not expected to disrupt FARS2 protein function with a negative predictive value of 95%. In summary, the available evidence is currently insufficient to determine the role of this variant in disease. Therefore, it has been classified as a Variant of Uncertain Significance.